The following is an entry in ClinVar:

NM_004092.4(ECHS1):c.89-6C>G

Gene: ECHS1 (enoyl-CoA hydratase, short chain 1; minus strand). Cytogenetic location: 10q26.3.
Variant type: single nucleotide variant.
Coding change: c.89-6C>G on transcript NM_004092.4 (MANE Select); 6 bases into the intron before coding-DNA position 89, C replaced by G.
Molecular consequence: intron variant.
Genome position (GRCh38, 1-based): chr10:133,370,763, G>C on the plus strand (C>G on the coding strand, the complement: ECHS1 is on the minus strand). VCF-style: chr10-133370763-G-C. GRCh37 (hg19) VCF-style: chr10-135184267-G-C.
Other names: c.89-6C>G (NM_004092.3).
Identifiers: ClinVar variation 1382261 (VCV001382261.8), dbSNP rs374193842, ClinGen allele CA5765877.

ClinVar aggregate classification (germline): Conflicting classifications of pathogenicity. Review status: criteria provided, conflicting classifications (1 of 4 stars). 2 submissions from 2 submitters: Uncertain significance (1); Likely benign (1). Last evaluated 2024-03-29.

Conditions:
Inborn genetic diseases. Identifiers: MedGen C0950123, MeSH D030342.

Allele frequency attached by ClinVar (database versions not stated): gnomAD exomes 0.00001; ExAC 0.00003; gnomAD 0.00009 and 0.00011; TOPMed 0.00009; ESP Exome Variant Server 0.00023.
gnomAD v4.1: 31 of 1,597,866 alleles (0.0019%); highest among the groups gnomAD compares: African/African-American, 0.042%; no homozygotes.

Submissions (2):

Labcorp Genetics (formerly Invitae), Labcorp
Classification: Likely benign. Last evaluated: 2024-03-29. Review status: criteria provided, single submitter. Criteria: Invitae Variant Classification Sherloc (09022015). Collection method: clinical testing. Allele origin: germline.

Ambry Genetics
Classification: Uncertain significance for Inborn genetic diseases. Last evaluated: 2023-07-20. Review status: criteria provided, single submitter. Criteria: Ambry Variant Classification Scheme 2023. Collection method: clinical testing. Allele origin: germline.
Comment: The c.89-6C>G intronic alteration consists of a C to G substitution 6 nucleotides before exon 2 of the ECHS1 gene. Based on insufficient or conflicting evidence, the clinical significance of this alteration remains unclear.